The following is an entry in ClinVar:

NM_000466.3(PEX1):c.1282G>A (p.Ala428Thr)

Gene: PEX1 (peroxisomal biogenesis factor 1; minus strand). Cytogenetic location: 7q21.2.
Variant type: single nucleotide variant.
Coding change: c.1282G>A on transcript NM_000466.3 (MANE Select); coding-DNA position 1282, G replaced by A.
Protein change: p.Ala428Thr; replaces alanine 428 with threonine.
Molecular consequence: missense variant.
Genome position (GRCh38, 1-based): chr7:92,513,925, C>T on the plus strand (G>A on the coding strand, the complement: PEX1 is on the minus strand). VCF-style: chr7-92513925-C-T. GRCh37 (hg19) VCF-style: chr7-92143239-C-T.
Other names: c.1282G>A, p.Ala428Thr (NM_001282677.2); c.658G>A, p.Ala220Thr (NM_001282678.2); short protein forms A220T, A428T.
Identifiers: ClinVar variation 1957250 (VCV001957250.5), dbSNP rs2484692417, ClinGen allele CA368193084.

ClinVar aggregate classification (germline): Uncertain significance (1 of 4 stars; one submission).

Conditions:
Zellweger spectrum disorders (ZS). Also called: Zellweger Spectrum Disorder (ZSD); Zellweger syndrome; Zellweger Spectrum Disorder; Zellweger Spectrum. Identifiers: Orphanet 912, MedGen C0043459, MONDO:0019609.

Allele frequency attached by ClinVar (database versions not stated): gnomAD exomes below 0.00001.

Submission:

Labcorp Genetics (formerly Invitae), Labcorp
Classification: Uncertain significance for Zellweger spectrum disorders. Last evaluated: 2023-06-29. Review status: criteria provided, single submitter. Criteria: Invitae Variant Classification Sherloc (09022015). Collection method: clinical testing. Allele origin: germline.
Comment: In summary, the available evidence is currently insufficient to determine the role of this variant in disease. Therefore, it has been classified as a Variant of Uncertain Significance. Advanced modeling of protein sequence and biophysical properties (such as structural, functional, and spatial information, amino acid conservation, physicochemical variation, residue mobility, and thermodynamic stability) performed at Invitae indicates that this missense variant is not expected to disrupt PEX1 protein function. ClinVar contains an entry for this variant (Variation ID: 1957250). This variant has not been reported in the literature in individuals affected with PEX1-related conditions. This variant is not present in population databases (gnomAD no frequency). This sequence change replaces alanine, which is neutral and non-polar, with threonine, which is neutral and polar, at codon 428 of the PEX1 protein (p.Ala428Thr).